The following is an entry in ClinVar:

ClinVar aggregate classification (germline): Benign/Likely benign. Review status: criteria provided, multiple submitters, no conflicts (2 of 4 stars). 9 submissions from 9 submitters: Benign (5); Likely benign (1). 3 of the submissions do not count toward it. Last evaluated 2026-01-25.

Conditions:
Cardiovascular phenotype. Identifiers: MedGen CN230736.
Dilated cardiomyopathy 1C (CMD1C). Also called: CARDIOMYOPATHY, DILATED, 1C, WITH OR WITHOUT LEFT VENTRICULAR NONCOMPACTION; Cardiomyopathy, dilated, 1C, with or without LVNC. Identifiers: Orphanet 154, Orphanet 54260, MedGen C1832244, MONDO:0011094, OMIM 601493.
Myofibrillar myopathy 4. Also called: Zaspopathy (type). Identifiers: Orphanet 98912, MedGen C4721886, MONDO:0012277, OMIM 609452.

Allele frequency attached by ClinVar (database versions not stated): gnomAD 0.00010 and 0.00071; TOPMed 0.00021; gnomAD exomes 0.00250; 1000 Genomes Project 30x 0.00375; ESP Exome Variant Server 0.00023; ExAC 0.00284; 1000 Genomes Project 0.00439.
gnomAD v4.1: 1,898 of 1,614,110 alleles (0.12%); highest among the groups gnomAD compares: South Asian, 1.9%; 24 homozygotes.

Submissions (9):

Labcorp Genetics (formerly Invitae), Labcorp
Classification: Benign for Myofibrillar myopathy 4. Last evaluated: 2026-01-25. Review status: criteria provided, single submitter. Criteria: Invitae Variant Classification Sherloc (09022015). Collection method: clinical testing. Allele origin: germline.

Women's Health and Genetics/Laboratory Corporation of America, LabCorp
Classification: Benign. Last evaluated: 2022-04-09. Review status: criteria provided, single submitter. Criteria: LabCorp Variant Classification Summary - May 2015. Collection method: clinical testing. Allele origin: germline.

GeneDx
Classification: Benign. Last evaluated: 2018-04-10. Review status: criteria provided, single submitter. Criteria: GeneDx Variant Classification Process June 2021. Collection method: clinical testing. Allele origin: germline. Affected: yes.

Ambry Genetics
Classification: Benign for Cardiovascular phenotype. Last evaluated: 2017-12-12. Review status: criteria provided, single submitter. Criteria: Ambry Variant Classification Scheme 2023. Collection method: clinical testing. Allele origin: germline.

Laboratory for Molecular Medicine, Mass General Brigham Personalized Medicine
Classification: Benign. Last evaluated: 2015-04-28. Review status: criteria provided, single submitter. Criteria: LMM Criteria. Collection method: clinical testing. Allele origin: germline. Observed: 5 variant alleles.
Comment: p.Thr91Thr in exon 3 of LDB3: This variant is not expected to have clinical sign ificance because it does not alter an amino acid residue, is not located within the splice consensus sequence, and has been identified in 2.0% (330/16496) of So uth Asian chromosomes by the Exome Aggregation Consortium (ExAC; dbSNP rs45613039).

Molecular Diagnostic Laboratory for Inherited Cardiovascular Disease, Montreal Heart Institute
Classification: Likely benign. Review status: criteria provided, single submitter. Criteria: ACMG Guidelines, 2015. Collection method: clinical testing. Allele origin: germline. Affected: yes.

Cytogenetics- Mohapatra Lab, Banaras Hindu University
Classification: Benign for Dilated cardiomyopathy 1C. Last evaluated: 2014-11-11. Review status: no assertion criteria provided. Collection method: case-control. Allele origin: unknown. Affected: yes. Observed: 5 variant alleles. Not counted in ClinVar's aggregate classification.

Clinical Genetics DNA and cytogenetics Diagnostics Lab, Erasmus MC, Erasmus Medical Center
Classification: Likely benign. Review status: no assertion criteria provided. Collection method: clinical testing. Allele origin: germline. Affected: yes. Study: VKGL Data-share Consensus. Not counted in ClinVar's aggregate classification.

Clinical Genetics, Academic Medical Center
Classification: Benign. Review status: no assertion criteria provided. Collection method: clinical testing. Allele origin: germline. Affected: yes. Study: VKGL Data-share Consensus. Not counted in ClinVar's aggregate classification.

NM_007078.3(LDB3):c.273G>A (p.Thr91=)

Gene: LDB3 (LIM domain binding 3; plus strand). Cytogenetic location: 10q23.2.
Variant type: single nucleotide variant.
Coding change: c.273G>A on transcript NM_007078.3 (MANE Select); coding-DNA position 273, G replaced by A.
Protein change: p.Thr91=; no amino-acid change (threonine 91 retained).
Molecular consequence: synonymous variant.
Genome position (GRCh38, 1-based): chr10:86,680,109, G>A. VCF-style: chr10-86680109-G-A. GRCh37 (hg19) VCF-style: chr10-88439866-G-A.
Other names: c.273G>A, p.Thr91= (NM_001080114.2, NM_001080115.2, NM_001171610.2 and 8 more transcripts).
Identifiers: ClinVar variation 45542 (VCV000045542.27), dbSNP rs45613039, ClinGen allele CA136591.